The following is an entry in ClinVar:

NM_004588.5(SCN2B):c.117C>T (p.Asn39=)

Gene: SCN2B (sodium voltage-gated channel beta subunit 2; minus strand). Cytogenetic location: 11q23.3.
Variant type: single nucleotide variant.
Coding change: c.117C>T on transcript NM_004588.5 (MANE Select); coding-DNA position 117, C replaced by T.
Protein change: p.Asn39=; no amino-acid change (asparagine 39 retained).
Molecular consequence: synonymous variant.
Genome position (GRCh38, 1-based): chr11:118,168,705, G>A on the plus strand (C>T on the coding strand, the complement: SCN2B is on the minus strand). VCF-style: chr11-118168705-G-A. GRCh37 (hg19) VCF-style: chr11-118039420-G-A.
Identifiers: ClinVar variation 1741726 (VCV001741726.7), dbSNP rs376392495, ClinGen allele CA6300527.

ClinVar aggregate classification (germline): Likely benign. Review status: criteria provided, multiple submitters, no conflicts (2 of 4 stars). 3 submissions from 3 submitters: Likely benign (2). 1 of the submissions does not count toward it. Last evaluated 2023-11-11.

Conditions:
SCN2B-related disorder. Also called: SCN2B-related condition.
Cardiovascular phenotype. Identifiers: MedGen CN230736.
Atrial fibrillation, familial, 14 (ATFB14). Identifiers: MedGen C3809312, MONDO:0014156, OMIM 615378.

Allele frequency attached by ClinVar (database versions not stated): gnomAD exomes 0.00001; ExAC 0.00002; gnomAD 0.00003; TOPMed 0.00005; ESP Exome Variant Server 0.00008.
gnomAD v4.1: 26 of 1,614,140 alleles (0.0016%); highest among the groups gnomAD compares: East Asian, 0.0067%; no homozygotes.

Submissions (3):

Labcorp Genetics (formerly Invitae), Labcorp
Classification: Likely benign for Atrial fibrillation, familial, 14. Last evaluated: 2023-11-11. Review status: criteria provided, single submitter. Criteria: Invitae Variant Classification Sherloc (09022015). Collection method: clinical testing. Allele origin: germline.

Ambry Genetics
Classification: Likely benign for Cardiovascular phenotype. Last evaluated: 2021-07-23. Review status: criteria provided, single submitter. Criteria: Ambry Variant Classification Scheme 2023. Collection method: clinical testing. Allele origin: germline.

PreventionGenetics, part of Exact Sciences
Classification: Likely benign for SCN2B-related condition. Last evaluated: 2019-07-18. Review status: no assertion criteria provided. Collection method: clinical testing. Allele origin: germline. Not counted in ClinVar's aggregate classification.
Comment: This variant is classified as likely benign based on ACMG/AMP sequence variant interpretation guidelines (Richards et al. 2015 PMID: 25741868, with internal and published modifications).